The following is an entry in ClinVar:

NM_001077350.3(NPRL3):c.722G>C (p.Ser241Thr)

Genes: HBA-LCR (alpha-globin locus control region; plus strand), NPRL3 (NPR3 like, GATOR1 complex subunit; minus strand). Cytogenetic location: 16p13.3.
Variant type: single nucleotide variant.
Coding change: c.722G>C on transcript NM_001077350.3 (MANE Select); coding-DNA position 722, G replaced by C.
Protein change: p.Ser241Thr; replaces serine 241 with threonine.
Molecular consequence: missense variant.
Genome position (GRCh38, 1-based): chr16:100,417, C>G on the plus strand (G>C on the coding strand, the complement: NPRL3 is on the minus strand). VCF-style: chr16-100417-C-G. GRCh37 (hg19) VCF-style: chr16-150415-C-G.
Other names: c.185G>C, p.Ser62Thr (NM_001039476.3); c.488G>C, p.Ser163Thr (NM_001243247.2); c.647G>C, p.Ser216Thr (NM_001243248.2, NM_001243249.2); short protein forms S163T, S216T, S241T, S62T.
Identifiers: ClinVar variation 1384974 (VCV001384974.6), dbSNP rs1899228613, ClinGen allele CA393990801.

ClinVar aggregate classification (germline): Uncertain significance (1 of 4 stars; one submission).

Conditions:
Epilepsy, familial focal, with variable foci 3 (FFEVF3). Identifiers: MedGen C4310708, MONDO:0014925, OMIM 617118.

Allele frequency attached by ClinVar (database versions not stated): gnomAD exomes below 0.00001; gnomAD 0.00001.
gnomAD v4.1: 3 of 1,603,648 alleles (0.00019%); highest among the groups gnomAD compares: Middle Eastern, 0.017%; no homozygotes.

Submission:

Labcorp Genetics (formerly Invitae), Labcorp
Classification: Uncertain significance for Epilepsy, familial focal, with variable foci 3. Last evaluated: 2021-04-05. Review status: criteria provided, single submitter. Criteria: Invitae Variant Classification Sherloc (09022015). Collection method: clinical testing. Allele origin: germline.
Comment: Experimental studies and prediction algorithms are not available or were not evaluated, and the functional significance of this variant is currently unknown. In summary, the available evidence is currently insufficient to determine the role of this variant in disease. Therefore, it has been classified as a Variant of Uncertain Significance. This variant has not been reported in the literature in individuals with NPRL3-related conditions. This variant is not present in population databases (ExAC no frequency). This sequence change replaces serine with threonine at codon 241 of the NPRL3 protein (p.Ser241Thr). The serine residue is moderately conserved and there is a small physicochemical difference between serine and threonine.